The following is an entry in ClinVar:

ClinVar aggregate classification (germline): Uncertain significance (1 of 4 stars; one submission).

Submission:

Labcorp Genetics (formerly Invitae), Labcorp
Classification: Uncertain significance. Last evaluated: 2023-06-25. Review status: criteria provided, single submitter. Criteria: Invitae Variant Classification Sherloc (09022015). Collection method: clinical testing. Allele origin: germline.
Comment: This sequence change replaces isoleucine, which is neutral and non-polar, with valine, which is neutral and non-polar, at codon 384 of the SMAD2 protein (p.Ile384Val). This variant is not present in population databases (gnomAD no frequency). This variant has not been reported in the literature in individuals affected with SMAD2-related conditions. ClinVar contains an entry for this variant (Variation ID: 2097434). Advanced modeling of protein sequence and biophysical properties (such as structural, functional, and spatial information, amino acid conservation, physicochemical variation, residue mobility, and thermodynamic stability) performed at Invitae indicates that this missense variant is not expected to disrupt SMAD2 protein function. In summary, the available evidence is currently insufficient to determine the role of this variant in disease. Therefore, it has been classified as a Variant of Uncertain Significance.

NM_005901.6(SMAD2):c.1150A>G (p.Ile384Val)

Gene: SMAD2 (SMAD family member 2; minus strand). Cytogenetic location: 18q21.1.
Variant type: single nucleotide variant.
Coding change: c.1150A>G on transcript NM_005901.6 (MANE Select); coding-DNA position 1150, A replaced by G.
Protein change: p.Ile384Val; replaces isoleucine 384 with valine.
Molecular consequence: missense variant.
Genome position (GRCh38, 1-based): chr18:47,845,470, T>C on the plus strand (A>G on the coding strand, the complement: SMAD2 is on the minus strand). VCF-style: chr18-47845470-T-C. GRCh37 (hg19) VCF-style: chr18-45371841-T-C.
Other names: c.1150A>G, p.Ile384Val (NM_001003652.4); c.1060A>G, p.Ile354Val (NM_001135937.3); short protein forms I354V, I384V.
Identifiers: ClinVar variation 2097434 (VCV002097434.4), dbSNP rs2511313114, ClinGen allele CA402503849.